The following is an entry in ClinVar:

NC_000022.11:g.38187312GAAA[8]

Gene: PLA2G6 (phospholipase A2 group VI; minus strand). Cytogenetic location: 22q13.1.
Variant type: Microsatellite.
Genome position: GRCh38 VCF-style: chr22-38187308-A-AAAAGAAAG. GRCh37 (hg19) VCF-style: chr22-38583315-A-AAAAGAAAG.
Identifiers: ClinVar variation 3250923 (VCV003250923.18), dbSNP rs60160206.
Genomic context (GRCh38, chr22:38,187,308, plus strand): 5'-AGCCGAGGTAGTGCCACTGTACTCCAGCCTGGGTGACAGAGTGAGACTCCATCTCAAAAA[A>AAAAGAAAG]AAAGAAAGAAAGAAAGAAAGAAAGAAAAAGAAATCCAGGTGAGAGATGATGGTCTGACCA-3'

ClinVar aggregate classification (germline): Benign (1 of 4 stars; one submission).

Submission:

CeGaT Center for Human Genetics Tuebingen
Classification: Benign. Last evaluated: 2024-11-01. Review status: criteria provided, single submitter. Criteria: CeGaT Center For Human Genetics Tuebingen Variant Classification Criteria Version 2. Collection method: clinical testing. Allele origin: germline. Affected: yes. Observed: 8 variant alleles.
Comment: PLA2G6: BS1, BS2